The following is an entry in ClinVar:

ClinVar aggregate classification (germline): Uncertain significance (1 of 4 stars; one submission).

Submission:

Labcorp Genetics (formerly Invitae), Labcorp
Classification: Uncertain significance. Last evaluated: 2022-07-19. Review status: criteria provided, single submitter. Criteria: Invitae Variant Classification Sherloc (09022015). Collection method: clinical testing. Allele origin: germline.
Comment: ClinVar contains an entry for this variant (Variation ID: 840774). In summary, the available evidence is currently insufficient to determine the role of this variant in disease. Therefore, it has been classified as a Variant of Uncertain Significance. Variants that disrupt the consensus splice site are a relatively common cause of aberrant splicing (PMID: 17576681, 9536098). Algorithms developed to predict the effect of sequence changes on RNA splicing suggest that this variant may create or strengthen a splice site. This variant has not been reported in the literature in individuals affected with PRPF4-related conditions. This variant is not present in population databases (gnomAD no frequency). This sequence change falls in intron 6 of the PRPF4 gene. It does not directly change the encoded amino acid sequence of the PRPF4 protein. It affects a nucleotide within the consensus splice site.

Literature cited by the submitters: PubMed 17576681; PubMed 9536098.

NM_001244926.2(PRPF4):c.654+5G>A

Gene: PRPF4 (pre-mRNA splicing tri-snRNP complex factor PRPF4; plus strand). Cytogenetic location: 9q32.
Variant type: single nucleotide variant.
Coding change: c.654+5G>A on transcript NM_001244926.2 (MANE Select); 5 bases into the intron after coding-DNA position 654, G replaced by A.
Molecular consequence: intron variant.
Genome position (GRCh38, 1-based): chr9:113,283,487, G>A. VCF-style: chr9-113283487-G-A. GRCh37 (hg19) VCF-style: chr9-116045767-G-A.
Other names: c.-112+5G>A (NM_001322267.2, NM_001322266.2); c.657+5G>A (NM_004697.5).
Identifiers: ClinVar variation 840774 (VCV000840774.7), dbSNP rs1832345409, ClinGen allele CA916083058.
Genomic context (GRCh38, chr9:113,283,487, plus strand): 5'-AGATTCCTGAGACAACAAGGACCTCCCAGATGCAAGAGCTGCACAAGTCTCTCCGGGTAA[G>A]ATGCTCCCAGCAATTGTCCCACATCTTAAAGGTTCTTCATGTTTATTTGATTTTTCTACT-3'